The following is an entry in ClinVar:

ClinVar aggregate classification (germline): Uncertain significance (1 of 4 stars; one submission).

Submission:

Labcorp Genetics (formerly Invitae), Labcorp
Classification: Uncertain significance. Last evaluated: 2020-10-20. Review status: criteria provided, single submitter. Criteria: Invitae Variant Classification Sherloc (09022015). Collection method: clinical testing. Allele origin: germline.
Comment: This variant has not been reported in the literature in individuals with ABCA4-related conditions. This variant is not present in population databases (ExAC no frequency). This sequence change replaces glutamine with arginine at codon 2104 of the ABCA4 protein (p.Gln2104Arg). The glutamine residue is highly conserved and there is a small physicochemical difference between glutamine and arginine. Advanced modeling of protein sequence and biophysical properties (such as structural, functional, and spatial information, amino acid conservation, physicochemical variation, residue mobility, and thermodynamic stability) performed at Invitae indicates that this missense variant is not expected to disrupt ABCA4 protein function. In summary, the available evidence is currently insufficient to determine the role of this variant in disease. Therefore, it has been classified as a Variant of Uncertain Significance.

NM_000350.3(ABCA4):c.6311A>G (p.Gln2104Arg)

Gene: ABCA4 (ATP binding cassette subfamily A member 4; minus strand). Cytogenetic location: 1p22.1.
Variant type: single nucleotide variant.
Coding change: c.6311A>G on transcript NM_000350.3 (MANE Select); coding-DNA position 6311, A replaced by G.
Protein change: p.Gln2104Arg; replaces glutamine 2104 with arginine.
Molecular consequence: missense variant.
Genome position (GRCh38, 1-based): chr1:94,001,077, T>C on the plus strand (A>G on the coding strand, the complement: ABCA4 is on the minus strand). VCF-style: chr1-94001077-T-C. GRCh37 (hg19) VCF-style: chr1-94466633-T-C.
Other names: c.6089A>G, p.Gln2030Arg (NM_001425324.1); short protein forms Q2104R, Q2030R.
Identifiers: ClinVar variation 1021416 (VCV001021416.8), dbSNP rs1659161167, ClinGen allele CA341277575.